The following is an entry in ClinVar:

ClinVar aggregate classification (germline): Pathogenic/Likely pathogenic. Review status: criteria provided, multiple submitters, no conflicts (2 of 4 stars). 2 submissions from 2 submitters: Pathogenic (1); Likely pathogenic (1). Last evaluated 2024-12-05.

Conditions:
Mitochondrial trifunctional protein deficiency. Identifiers: Orphanet 746, MedGen C1969443, MONDO:0012172.
Long chain 3-hydroxyacyl-CoA dehydrogenase deficiency. Also called: Deficiency of long-chain 3-hydroxyacyl-coenzyme A dehydrogenase; LCHAD Deficiency. Identifiers: Orphanet 5, MedGen C3711645, MONDO:0012173, OMIM 609016.

Submissions (2):

Labcorp Genetics (formerly Invitae), Labcorp
Classification: Pathogenic for Mitochondrial trifunctional protein deficiency; Long chain 3-hydroxyacyl-CoA dehydrogenase deficiency. Last evaluated: 2024-12-05. Review status: criteria provided, single submitter. Criteria: Invitae Variant Classification Sherloc (09022015). Collection method: clinical testing. Allele origin: germline.
Comment: This sequence change creates a premature translational stop signal (p.Lys631Asnfs*13) in the HADHA gene. It is expected to result in an absent or disrupted protein product. Loss-of-function variants in HADHA are known to be pathogenic (PMID: 7738175, 21103935, 21549624, 22459206). This variant is not present in population databases (gnomAD no frequency). This variant has not been reported in the literature in individuals affected with HADHA-related conditions. ClinVar contains an entry for this variant (Variation ID: 1912385). For these reasons, this variant has been classified as Pathogenic.

Baylor Genetics
Classification: Likely pathogenic for Long chain 3-hydroxyacyl-CoA dehydrogenase deficiency. Last evaluated: 2023-12-30. Review status: criteria provided, single submitter. Criteria: ACMG Guidelines, 2015. Collection method: clinical testing. Allele origin: unknown.

Literature cited by the submitters: PubMed 7738175 (cited by Labcorp Genetics (formerly Invitae), Labcorp); PubMed 21103935 (cited by Labcorp Genetics (formerly Invitae), Labcorp); PubMed 21549624 (cited by Labcorp Genetics (formerly Invitae), Labcorp); PubMed 22459206 (cited by Labcorp Genetics (formerly Invitae), Labcorp).

NM_000182.5(HADHA):c.1893del (p.Lys631fs)

Genes: GAREM2 (GRB2 associated regulator of MAPK1 subtype 2; plus strand), HADHA (hydroxyacyl-CoA dehydrogenase trifunctional multienzyme complex subunit alpha; minus strand). Cytogenetic location: 2p23.3.
Variant type: Deletion.
Coding change: c.1893del on transcript NM_000182.5 (MANE Select); coding-DNA position 1893, one base deleted (A; older notation c.1893delA).
Protein change: p.Lys631fs; shifts the reading frame from lysine 631.
Molecular consequence: frameshift variant.
Genome position (GRCh38, 1-based): chr2:26,192,417, T deleted on the plus strand (A on the coding strand, the reverse complement: HADHA is on the minus strand); the first of 3 consecutive T bases (chr2:26,192,417-26,192,419); deleting any one gives the same sequence. VCF-style (leftmost placement, unchanged base first): chr2-26192416-AT-A. GRCh37 (hg19) VCF-style: chr2-26415285-AT-A.
Other names: short protein forms K631fs.
Identifiers: ClinVar variation 1912385 (VCV001912385.6), dbSNP rs2465508716, ClinGen allele CA2580066165.